The following continues an entry in ClinVar:

NM_015268.4(DNAJC13):c.5560+4A>T

Gene: DNAJC13. ClinVar aggregate classification (germline): Benign. Benign (3).

Submissions 33 to 67 of 123:

Dr. Peter K. Rogan Lab, Western University
No classification provided (evidence only). Condition: Malignant tumor of esophagus. Review status: no classification provided. Collection method: in vitro. Allele origin: not applicable. Functional consequence: skipped exon, retained intron. Not counted in ClinVar's aggregate classification.

Dr. Peter K. Rogan Lab, Western University
No classification provided (evidence only). Condition: Malignant tumor of esophagus. Review status: no classification provided. Collection method: in vitro. Allele origin: not applicable. Functional consequence: retained intron. Not counted in ClinVar's aggregate classification.

Dr. Peter K. Rogan Lab, Western University
No classification provided (evidence only). Condition: Malignant tumor of esophagus. Review status: no classification provided. Collection method: in vitro. Allele origin: not applicable. Functional consequence: skipped exon, retained intron. Not counted in ClinVar's aggregate classification.

Dr. Peter K. Rogan Lab, Western University
No classification provided (evidence only). Condition: Malignant tumor of esophagus. Review status: no classification provided. Collection method: in vitro. Allele origin: not applicable. Functional consequence: skipped exon, retained intron. Not counted in ClinVar's aggregate classification.

Dr. Peter K. Rogan Lab, Western University
No classification provided (evidence only). Condition: Malignant tumor of esophagus. Review status: no classification provided. Collection method: in vitro. Allele origin: not applicable. Functional consequence: skipped exon, retained intron. Not counted in ClinVar's aggregate classification.

Dr. Peter K. Rogan Lab, Western University
No classification provided (evidence only). Condition: Chronic lymphocytic leukemia/small lymphocytic lymphoma. Review status: no classification provided. Collection method: in vitro. Allele origin: not applicable. Functional consequence: retained intron. Not counted in ClinVar's aggregate classification.

Dr. Peter K. Rogan Lab, Western University
No classification provided (evidence only). Condition: Chronic lymphocytic leukemia/small lymphocytic lymphoma. Review status: no classification provided. Collection method: in vitro. Allele origin: not applicable. Functional consequence: skipped exon, retained intron. Not counted in ClinVar's aggregate classification.

Dr. Peter K. Rogan Lab, Western University
No classification provided (evidence only). Condition: Nonpapillary renal cell carcinoma. Review status: no classification provided. Collection method: in vitro. Allele origin: not applicable. Functional consequence: skipped exon, retained intron. Not counted in ClinVar's aggregate classification.

Dr. Peter K. Rogan Lab, Western University
No classification provided (evidence only). Condition: Nonpapillary renal cell carcinoma. Review status: no classification provided. Collection method: in vitro. Allele origin: not applicable. Functional consequence: skipped exon, retained intron. Not counted in ClinVar's aggregate classification.

Dr. Peter K. Rogan Lab, Western University
No classification provided (evidence only). Condition: Nonpapillary renal cell carcinoma. Review status: no classification provided. Collection method: in vitro. Allele origin: not applicable. Functional consequence: skipped exon, retained intron. Not counted in ClinVar's aggregate classification.

Dr. Peter K. Rogan Lab, Western University
No classification provided (evidence only). Condition: Nonpapillary renal cell carcinoma. Review status: no classification provided. Collection method: in vitro. Allele origin: not applicable. Functional consequence: skipped exon, retained intron. Not counted in ClinVar's aggregate classification.

Dr. Peter K. Rogan Lab, Western University
No classification provided (evidence only). Condition: Nonpapillary renal cell carcinoma. Review status: no classification provided. Collection method: in vitro. Allele origin: not applicable. Functional consequence: skipped exon, retained intron. Not counted in ClinVar's aggregate classification.

Dr. Peter K. Rogan Lab, Western University
No classification provided (evidence only). Condition: Nonpapillary renal cell carcinoma. Review status: no classification provided. Collection method: in vitro. Allele origin: not applicable. Functional consequence: skipped exon, retained intron. Not counted in ClinVar's aggregate classification.

Dr. Peter K. Rogan Lab, Western University
No classification provided (evidence only). Condition: Familial pancreatic carcinoma. Review status: no classification provided. Collection method: in vitro. Allele origin: not applicable. Functional consequence: skipped exon, retained intron. Not counted in ClinVar's aggregate classification.

Dr. Peter K. Rogan Lab, Western University
No classification provided (evidence only). Condition: Familial pancreatic carcinoma. Review status: no classification provided. Collection method: in vitro. Allele origin: not applicable. Functional consequence: skipped exon, retained intron. Not counted in ClinVar's aggregate classification.

Dr. Peter K. Rogan Lab, Western University
No classification provided (evidence only). Condition: Familial pancreatic carcinoma. Review status: no classification provided. Collection method: in vitro. Allele origin: not applicable. Functional consequence: skipped exon, retained intron. Not counted in ClinVar's aggregate classification.

Dr. Peter K. Rogan Lab, Western University
No classification provided (evidence only). Condition: Familial pancreatic carcinoma. Review status: no classification provided. Collection method: in vitro. Allele origin: not applicable. Functional consequence: skipped exon, retained intron. Not counted in ClinVar's aggregate classification.

Dr. Peter K. Rogan Lab, Western University
No classification provided (evidence only). Condition: Familial pancreatic carcinoma. Review status: no classification provided. Collection method: in vitro. Allele origin: not applicable. Functional consequence: skipped exon, retained intron. Not counted in ClinVar's aggregate classification.

Dr. Peter K. Rogan Lab, Western University
No classification provided (evidence only). Condition: Familial pancreatic carcinoma. Review status: no classification provided. Collection method: in vitro. Allele origin: not applicable. Functional consequence: skipped exon, retained intron. Not counted in ClinVar's aggregate classification.

Dr. Peter K. Rogan Lab, Western University
No classification provided (evidence only). Condition: Familial pancreatic carcinoma. Review status: no classification provided. Collection method: in vitro. Allele origin: not applicable. Functional consequence: skipped exon, retained intron. Not counted in ClinVar's aggregate classification.

Dr. Peter K. Rogan Lab, Western University
No classification provided (evidence only). Condition: Familial pancreatic carcinoma. Review status: no classification provided. Collection method: in vitro. Allele origin: not applicable. Functional consequence: skipped exon, retained intron. Not counted in ClinVar's aggregate classification.

Dr. Peter K. Rogan Lab, Western University
No classification provided (evidence only). Condition: Familial pancreatic carcinoma. Review status: no classification provided. Collection method: in vitro. Allele origin: not applicable. Functional consequence: skipped exon, retained intron. Not counted in ClinVar's aggregate classification.

Dr. Peter K. Rogan Lab, Western University
No classification provided (evidence only). Condition: Familial pancreatic carcinoma. Review status: no classification provided. Collection method: in vitro. Allele origin: not applicable. Functional consequence: skipped exon, retained intron. Not counted in ClinVar's aggregate classification.

Dr. Peter K. Rogan Lab, Western University
No classification provided (evidence only). Condition: Familial pancreatic carcinoma. Review status: no classification provided. Collection method: in vitro. Allele origin: not applicable. Functional consequence: skipped exon. Not counted in ClinVar's aggregate classification.

Dr. Peter K. Rogan Lab, Western University
No classification provided (evidence only). Condition: Lymphoma. Review status: no classification provided. Collection method: in vitro. Allele origin: not applicable. Functional consequence: retained intron. Not counted in ClinVar's aggregate classification.

Dr. Peter K. Rogan Lab, Western University
No classification provided (evidence only). Condition: Lymphoma. Review status: no classification provided. Collection method: in vitro. Allele origin: not applicable. Functional consequence: skipped exon, retained intron. Not counted in ClinVar's aggregate classification.

Dr. Peter K. Rogan Lab, Western University
No classification provided (evidence only). Condition: Lymphoma. Review status: no classification provided. Collection method: in vitro. Allele origin: not applicable. Functional consequence: skipped exon, retained intron. Not counted in ClinVar's aggregate classification.

Dr. Peter K. Rogan Lab, Western University
No classification provided (evidence only). Condition: Lymphoma. Review status: no classification provided. Collection method: in vitro. Allele origin: not applicable. Functional consequence: retained intron. Not counted in ClinVar's aggregate classification.

Dr. Peter K. Rogan Lab, Western University
No classification provided (evidence only). Condition: Lymphoma. Review status: no classification provided. Collection method: in vitro. Allele origin: not applicable. Functional consequence: skipped exon. Not counted in ClinVar's aggregate classification.

Dr. Peter K. Rogan Lab, Western University
No classification provided (evidence only). Condition: Lymphoma. Review status: no classification provided. Collection method: in vitro. Allele origin: not applicable. Functional consequence: skipped exon, retained intron. Not counted in ClinVar's aggregate classification.

Dr. Peter K. Rogan Lab, Western University
No classification provided (evidence only). Condition: Lymphoma. Review status: no classification provided. Collection method: in vitro. Allele origin: not applicable. Functional consequence: skipped exon. Not counted in ClinVar's aggregate classification.

Dr. Peter K. Rogan Lab, Western University
No classification provided (evidence only). Condition: Lymphoma. Review status: no classification provided. Collection method: in vitro. Allele origin: not applicable. Functional consequence: skipped exon. Not counted in ClinVar's aggregate classification.

Dr. Peter K. Rogan Lab, Western University
No classification provided (evidence only). Condition: Lymphoma. Review status: no classification provided. Collection method: in vitro. Allele origin: not applicable. Functional consequence: skipped exon, retained intron. Not counted in ClinVar's aggregate classification.

Dr. Peter K. Rogan Lab, Western University
No classification provided (evidence only). Condition: Lymphoma. Review status: no classification provided. Collection method: in vitro. Allele origin: not applicable. Functional consequence: skipped exon, retained intron. Not counted in ClinVar's aggregate classification.

Dr. Peter K. Rogan Lab, Western University
No classification provided (evidence only). Condition: Ovarian cancer. Review status: no classification provided. Collection method: in vitro. Allele origin: not applicable. Functional consequence: skipped exon, retained intron. Not counted in ClinVar's aggregate classification.